The following is an entry in ClinVar:

ClinVar aggregate classification (germline): Uncertain significance (1 of 4 stars; one submission).

Conditions:
Inborn genetic diseases. Identifiers: MedGen C0950123, MeSH D030342.

Submission:

Ambry Genetics
Classification: Uncertain significance for Inborn genetic diseases. Last evaluated: 2025-02-14. Review status: criteria provided, single submitter. Criteria: Ambry Variant Classification Scheme 2023. Collection method: clinical testing. Allele origin: germline.
Comment: May escape nonsense-mediated mRNA decay and/or be rescued by re-initiation Based on insufficient or conflicting evidence, the clinical significance of this alteration remains unclear.

NM_014362.4(HIBCH):c.21G>A (p.Trp7Ter)

Gene: HIBCH (3-hydroxyisobutyryl-CoA hydrolase; minus strand). Cytogenetic location: 2q32.2.
Variant type: single nucleotide variant.
Coding change: c.21G>A on transcript NM_014362.4 (MANE Select); coding-DNA position 21, G replaced by A.
Protein change: p.Trp7Ter; replaces tryptophan 7 with a stop codon.
Molecular consequence: nonsense.
Genome position (GRCh38, 1-based): chr2:190,319,730, C>T on the plus strand (G>A on the coding strand, the complement: HIBCH is on the minus strand). VCF-style: chr2-190319730-C-T. GRCh37 (hg19) VCF-style: chr2-191184456-C-T.
Other names: c.21G>A, p.Trp7Ter (NM_198047.3); short protein forms W7*.
Identifiers: ClinVar variation 3857775 (VCV003857775.1).
Genomic context (GRCh38, chr2:190,319,730, plus strand): 5'-AGTGCCGCTGAAGAGCCTGCCCTTGGCCCCTCGCTCTCTCACTCACCTCGACATGAGCCT[C>T]CACATCTCGCGCTGCCCCATCGCCAAACACTCCGAAGCTAAAGCAGCAGAGCGAGAATCT-3'